The following is an entry in ClinVar:

NM_198535.3(ZNF699):c.1534T>C (p.Phe512Leu)

Gene: ZNF699 (zinc finger protein 699; minus strand). Cytogenetic location: 19p13.2.
Variant type: single nucleotide variant.
Coding change: c.1534T>C on transcript NM_198535.3 (MANE Select); coding-DNA position 1534, T replaced by C.
Protein change: p.Phe512Leu; replaces phenylalanine 512 with leucine.
Molecular consequence: missense variant.
Genome position (GRCh38, 1-based): chr19:9,295,870, A>G on the plus strand (T>C on the coding strand, the complement: ZNF699 is on the minus strand). VCF-style: chr19-9295870-A-G. GRCh37 (hg19) VCF-style: chr19-9406546-A-G.
Other names: c.1534T>C (NM_198535.1); short protein forms F512L.
Identifiers: ClinVar variation 2505220 (VCV002505220.2), dbSNP rs1024552896, ClinGen allele CA305050036.
Genomic context (GRCh38, chr19:9,295,870, plus strand): 5'-CATAGGGTTTCTCTCCAGTGTGAGTTCTGATATGTACTGTAAGGTGGGAGGAACTAATAA[A>G]GGCTTTCCCACATTCTTTACATTCATACGGCTTCTCTCCGCTGTGAGTTCTTAGGTGTTC-3'
Protein context (NP_940937.1, residues 502-522): PYECKECGKA[Phe512Leu]ISSSHLTVHI

ClinVar aggregate classification (germline): Uncertain significance. Review status: criteria provided, multiple submitters, no conflicts (2 of 4 stars). 2 submissions from 2 submitters: Uncertain significance (2). Last evaluated 2025-06-18.

Conditions:
Inborn genetic diseases. Identifiers: MedGen C0950123, MeSH D030342.

Allele frequency attached by ClinVar (database versions not stated): gnomAD 0.00001; TOPMed 0.00003.
gnomAD v4.1: 3 of 1,614,000 alleles (0.00019%); highest among the groups gnomAD compares: Non-Finnish European, 0.00025%; no homozygotes.

Submissions (2):

Ambry Genetics
Classification: Uncertain significance for Inborn genetic diseases. Last evaluated: 2025-06-18. Review status: criteria provided, single submitter. Criteria: Ambry Variant Classification Scheme 2023. Collection method: clinical testing. Allele origin: germline.

Greenwood Genetic Center Diagnostic Laboratories, Greenwood Genetic Center
Classification: Uncertain significance. Last evaluated: 2023-03-30. Review status: criteria provided, single submitter. Criteria: ACMG Guidelines, 2015. Collection method: clinical testing. Allele origin: germline. Affected: yes.
Comment: PM2